The following is an entry in ClinVar:

ClinVar aggregate classification (germline): Uncertain significance (1 of 4 stars; one submission).

Submission:

GeneDx
Classification: Uncertain significance. Last evaluated: 2025-07-03. Review status: criteria provided, single submitter. Criteria: GeneDx Variant Classification Process June 2021. Collection method: clinical testing. Allele origin: germline. Affected: yes.
Comment: Not observed at significant frequency in large population cohorts (gnomAD); In-frame deletion of 2 amino acids in a non-repeat region; In silico analysis supports a deleterious effect on protein structure/function; Has not been previously published as pathogenic or benign to our knowledge

NM_003482.4(KMT2D):c.12745_12750del (p.Gln4249_Thr4250del)

Gene: KMT2D (lysine methyltransferase 2D; minus strand). Cytogenetic location: 12q13.12.
Variant type: Deletion.
Coding change: c.12745_12750del on transcript NM_003482.4 (MANE Select); coding-DNA positions 12745 to 12750, 6 bases deleted (CAGACC; older notation c.12745_12750delCAGACC).
Protein change: p.Gln4249_Thr4250del.
Molecular consequence: inframe deletion. On other transcripts: inframe indel (1).
Genome position (GRCh38, 1-based): chr12:49,031,955-49,031,960, GGTCTG deleted on the plus strand (CAGACC on the coding strand, the reverse complement: KMT2D is on the minus strand); deleting any 6 consecutive bases within chr12:49,031,955-49,031,964 gives the same sequence; the c. name uses the placement nearest the transcript's 3' end. VCF-style (leftmost placement, unchanged base first): chr12-49031954-AGGTCTG-A. GRCh37 (hg19) VCF-style: chr12-49425737-AGGTCTG-A.
Other names: c.12741_12746delGACCCA, p.Gln4249_Thr4250del (NM_003482.3).
Identifiers: ClinVar variation 4680911 (VCV004680911.1).
Genomic context (GRCh38, chr12:49,031,954, plus strand): 5'-TCTGTGGTCCAGGGAAGCCCCCAAGTTGAGGTTGGCAGCCCAGGAGGCCCTGGAGGGGAG[AGGTCTG>A]GGTCCCAGGCTCCTGGTAGGGTGGGGTCTGGCGTACTGCCTGACTCTGCTGCAGCTGCCG-3'